The following is an entry in ClinVar:

NM_017739.4(POMGNT1):c.320G>A (p.Arg107His)

Gene: POMGNT1 (protein O-linked mannose N-acetylglucosaminyltransferase 1 (beta 1,2-); minus strand). Cytogenetic location: 1p34.1.
Variant type: single nucleotide variant.
Coding change: c.320G>A on transcript NM_017739.4 (MANE Select); coding-DNA position 320, G replaced by A.
Protein change: p.Arg107His; replaces arginine 107 with histidine.
Molecular consequence: missense variant. On other transcripts: 5 prime UTR variant (1).
Genome position (GRCh38, 1-based): chr1:46,196,765, C>T on the plus strand (G>A on the coding strand, the complement: POMGNT1 is on the minus strand). VCF-style: chr1-46196765-C-T. GRCh37 (hg19) VCF-style: chr1-46662437-C-T.
Other names: c.320G>A, p.Arg107His (NM_001243766.2, NM_001410783.1); c.254G>A, p.Arg85His (NM_001290129.3); c.-110G>A (NM_001290130.2); short protein forms R107H, R85H.
Identifiers: ClinVar variation 1045797 (VCV001045797.4), dbSNP rs527454065, ClinGen allele CA833786.
Genomic context (GRCh38, chr1:46,196,765, plus strand): 5'-TGTACACCAGACCCTGGCCCACTGACCGTGGTGCCATCCACTGCCACATATACTTTGCTG[C>T]GACTTGAATACACCTCTACGTCCAGGACCCGCCGGGGACCACTGCCTCTGCGCCGTGGGG-3'
Protein context (NP_060209.4, residues 97-117): RVLDVEVYSS[Arg107His]SKVYVAVDGT

ClinVar aggregate classification (germline): Uncertain significance. Review status: criteria provided, single submitter (1 of 4 stars). 3 submissions from 3 submitters: Uncertain significance (1). 2 of the submissions do not count toward it. Last evaluated 2022-07-11.

Conditions:
Muscle eye brain disease (MEB). Also called: Santavuori congenital muscular dystrophy. Identifiers: Orphanet 588, Orphanet 899, MedGen C0457133, MONDO:0018939.
Autosomal recessive limb-girdle muscular dystrophy type 2O. Also called: Limb-Girdle Muscular Dystrophy Type 3C; MUSCULAR DYSTROPHY-DYSTROGLYCANOPATHY (LIMB-GIRDLE), TYPE C, 3; MUSCULAR DYSTROPHY-DYSTROGLYCANOPATHY, LIMB-GIRDLE, POMGNT1-RELATED. Identifiers: Orphanet 206564, MedGen C3150417, MONDO:0013161, OMIM 613157.
Muscular dystrophy-dystroglycanopathy (congenital with impaired intellectual development), type B, 3. Also called: MUSCULAR DYSTROPHY, CONGENITAL, POMGNT1-RELATED; Muscular dystrophy-dystroglycanopathy (congenital with intellectual disability), type B3. Identifiers: MedGen C3150412, MONDO:0013155, OMIM 613151.
Retinal dystrophy. Also called: Inherited retinal dystrophy. Identifiers: Orphanet 71862, MedGen C0854723, MeSH D058499, MONDO:0019118, HP:0000556.

Allele frequency attached by ClinVar (database versions not stated): 1000 Genomes Project 0.00020; TOPMed 0.00001; 1000 Genomes Project 30x 0.00016; gnomAD 0.00001.
gnomAD v4.1: 16 of 1,614,190 alleles (0.00099%); highest among the groups gnomAD compares: East Asian, 0.0089%; no homozygotes.

Submissions (3):

Labcorp Genetics (formerly Invitae), Labcorp
Classification: Uncertain significance for Autosomal recessive limb-girdle muscular dystrophy type 2O; Muscular dystrophy-dystroglycanopathy (congenital with impaired intellectual development), type B, 3. Last evaluated: 2022-07-11. Review status: criteria provided, single submitter. Criteria: Invitae Variant Classification Sherloc (09022015). Collection method: clinical testing. Allele origin: germline.
Comment: This sequence change replaces arginine, which is basic and polar, with histidine, which is basic and polar, at codon 107 of the POMGNT1 protein (p.Arg107His). This variant is present in population databases (rs527454065, gnomAD 0.006%). This variant has not been reported in the literature in individuals affected with POMGNT1-related conditions. ClinVar contains an entry for this variant (Variation ID: 1045797). Advanced modeling of protein sequence and biophysical properties (such as structural, functional, and spatial information, amino acid conservation, physicochemical variation, residue mobility, and thermodynamic stability) performed at Invitae indicates that this missense variant is not expected to disrupt POMGNT1 protein function. In summary, the available evidence is currently insufficient to determine the role of this variant in disease. Therefore, it has been classified as a Variant of Uncertain Significance.

Natera, Inc.
Classification: Uncertain significance for Muscle-eye-brain disease. Last evaluated: 2020-03-11. Review status: no assertion criteria provided. Collection method: clinical testing. Allele origin: germline. Not counted in ClinVar's aggregate classification.

Institute of Human Genetics, Univ. Regensburg, Univ. Regensburg
Classification: Uncertain significance for Retinal dystrophy. Last evaluated: 2018-01-01. Review status: no assertion criteria provided. Criteria: ACMG Guidelines, 2015. Collection method: clinical testing. Allele origin: germline. Affected: yes. Not counted in ClinVar's aggregate classification.